The following is an entry in ClinVar:

NM_020719.3(PRR12):c.774C>T (p.Ala258=)

Gene: PRR12 (proline rich 12; plus strand). Cytogenetic location: 19q13.33.
Variant type: single nucleotide variant.
Coding change: c.774C>T on transcript NM_020719.3 (MANE Select); coding-DNA position 774, C replaced by T.
Protein change: p.Ala258=; no amino-acid change (alanine 258 retained).
Molecular consequence: synonymous variant.
Genome position (GRCh38, 1-based): chr19:49,595,109, C>T. VCF-style: chr19-49595109-C-T. GRCh37 (hg19) VCF-style: chr19-50098366-C-T.
Identifiers: ClinVar variation 3036654 (VCV003036654.2), dbSNP rs759552456, ClinGen allele CA9577741.
Genomic context (GRCh38, chr19:49,595,109, plus strand): 5'-TCGCCACCTCCCAACTCAGTTCAACCTGCTGGCTTCCTCTTCCGCTGCCGCCGCCGCTGC[C>T]GAGCAGTCCTCCCCACAGCTCTATAACTTCTCGGGTGCTGCCCCGGGCCCACCGCCGCCT-3'
Protein context (NP_065770.1, residues 248-268): LASSSAAAAA[Ala258=]EQSSPQLYNF

ClinVar aggregate classification (germline): Likely benign (0 of 4 stars; one submission).

Conditions:
PRR12-related disorder. Also called: PRR12-related condition.

Allele frequency attached by ClinVar (database versions not stated): ExAC 0.00007; TOPMed 0.00011; gnomAD 0.00015.

Submission:

PreventionGenetics, part of Exact Sciences
Classification: Likely benign for PRR12-related condition. Last evaluated: 2021-02-01. Review status: no assertion criteria provided. Collection method: clinical testing. Allele origin: germline.
Comment: This variant is classified as likely benign based on ACMG/AMP sequence variant interpretation guidelines (Richards et al. 2015 PMID: 25741868, with internal and published modifications).